The following is an entry in ClinVar:

ClinVar aggregate classification (germline): Benign. Review status: criteria provided, multiple submitters, no conflicts (2 of 4 stars). 8 submissions from 8 submitters: Benign (7). 1 of the submissions does not count toward it. Last evaluated 2026-02-03.

Conditions:
Gnathodiaphyseal dysplasia (GDD). Also called: OSTEOGENESIS IMPERFECTA WITH UNUSUAL SKELETAL LESIONS; GNATHODIAPHYSEAL SCLEROSIS. Identifiers: Orphanet 53697, MedGen C1833736, MONDO:0008151, OMIM 166260.
Autosomal recessive limb-girdle muscular dystrophy type 2L (LGMDR12). Also called: Limb-Girdle Muscular Dystrophy R12 Anoctamin-5-Related (LGMD-R12); Limb-girdle muscular dystrophy, type 2L; MUSCULAR DYSTROPHY, LIMB-GIRDLE, AUTOSOMAL RECESSIVE 12. Identifiers: Orphanet 206549, MedGen C1969785, MONDO:0012652, OMIM 611307.
ANO5-Related Muscle Diseases. Identifiers: MedGen CN180644.

Allele frequency attached by ClinVar (database versions not stated): 1000 Genomes Project 0.01677; gnomAD 0.01772 and 0.01670; gnomAD exomes 0.00423 and 0.00165; TOPMed 0.01870; ExAC 0.00510; 1000 Genomes Project 30x 0.01608; ESP Exome Variant Server 0.01722.
gnomAD v4.1: 5,038 of 1,604,686 alleles (0.31%); highest among the groups gnomAD compares: African/African-American, 6%; 160 homozygotes.

Submissions (8):

Labcorp Genetics (formerly Invitae), Labcorp
Classification: Benign for Autosomal recessive limb-girdle muscular dystrophy type 2L; Gnathodiaphyseal dysplasia. Last evaluated: 2026-02-03. Review status: criteria provided, single submitter. Criteria: Invitae Variant Classification Sherloc (09022015). Collection method: clinical testing. Allele origin: germline.

ARUP Laboratories, Molecular Genetics and Genomics, ARUP Laboratories
Classification: Benign. Last evaluated: 2025-02-04. Review status: criteria provided, single submitter. Criteria: ARUP Molecular Germline Variant Investigation Process 2024. Collection method: clinical testing. Allele origin: germline.

Athena Diagnostics
Classification: Benign. Last evaluated: 2024-12-11. Review status: criteria provided, single submitter. Criteria: Athena Diagnostics Criteria. Collection method: clinical testing. Allele origin: unknown.
Comment: The frequency of this variant in the general population is higher than would generally be expected for pathogenic variants in this gene.

Mayo Clinic Laboratories, Mayo Clinic
Classification: Benign. Last evaluated: 2023-03-12. Review status: criteria provided, single submitter. Criteria: ACMG Guidelines, 2015. Collection method: clinical testing. Allele origin: germline. Observed: 24 variant alleles.

Illumina Laboratory Services, Illumina
Classification: Benign for ANO5-Related Muscle Diseases. Last evaluated: 2018-01-12. Review status: criteria provided, single submitter. Criteria: ICSL Variant Classification Criteria 13 December 2019. Collection method: clinical testing. Allele origin: germline.
Comment: This variant was observed in the ICSL laboratory as part of a predisposition screen in an ostensibly healthy population. It had not been previously curated by ICSL or reported in the Human Gene Mutation Database (HGMD: prior to June 1st, 2018), and was therefore a candidate for classification through an automated scoring system. Utilizing variant allele frequency, disease prevalence and penetrance estimates, and inheritance mode, an automated score was calculated to assess if this variant is too frequent to cause the disease. Based on the score and internal cut-off values, a variant classified as benign is not then subjected to further curation. The score for this variant resulted in a classification of benign for this disease.

GeneDx
Classification: Benign. Last evaluated: 2016-08-08. Review status: criteria provided, single submitter. Criteria: GeneDx Variant Classification (06012015). Collection method: clinical testing. Allele origin: germline. Affected: yes.
Comment: This variant is considered likely benign or benign based on one or more of the following criteria: it is a conservative change, it occurs at a poorly conserved position in the protein, it is predicted to be benign by multiple in silico algorithms, and/or has population frequency not consistent with disease.

PreventionGenetics, part of Exact Sciences
Classification: Benign. Review status: criteria provided, single submitter. Criteria: ACMG Guidelines, 2015. Collection method: clinical testing. Allele origin: germline.

Genetic Services Laboratory, University of Chicago
Classification: Likely benign for AllHighlyPenetrant. Review status: no assertion criteria provided. Collection method: clinical testing. Allele origin: germline. Inheritance: Autosomal recessive inheritance. Not counted in ClinVar's aggregate classification.
Comment: Likely benign based on allele frequency in 1000 Genomes Project or ESP global frequency and its presence in a patient with a rare or unrelated disease phenotype. NOT Sanger confirmed.

NM_213599.3(ANO5):c.2259A>G (p.Ser753=)

Gene: ANO5 (anoctamin 5; plus strand). Cytogenetic location: 11p14.3.
Variant type: single nucleotide variant.
Coding change: c.2259A>G on transcript NM_213599.3 (MANE Select); coding-DNA position 2259, A replaced by G.
Protein change: p.Ser753=; no amino-acid change (serine 753 retained).
Molecular consequence: synonymous variant.
Genome position (GRCh38, 1-based): chr11:22,274,592, A>G. VCF-style: chr11-22274592-A-G. GRCh37 (hg19) VCF-style: chr11-22296138-A-G.
Other names: p.Ser753=; c.2256A>G, p.Ser752= (NM_001142649.2).
Identifiers: ClinVar variation 128389 (VCV000128389.25), dbSNP rs61746201, ClinGen allele CA151827.
Genomic context (GRCh38, chr11:22,274,592, plus strand): 5'-AGCTGATGATCTTCCTCTTTTTTTTTTTATTCTTCAGGCCTTTATTGTTGCATTTACGTC[A>G]GACATCATTCCCCGTCTAGTTTACTACTATGCTTACTCAACAAATGCCACACAGCCTATG-3'
Protein context (NP_998764.1, residues 743-763): ATNAFIVAFT[Ser753=]DIIPRLVYYY